The following is an entry in ClinVar:

ClinVar aggregate classification (germline): Uncertain significance (1 of 4 stars; one submission).

Submission:

GeneDx
Classification: Uncertain significance. Last evaluated: 2026-01-23. Review status: criteria provided, single submitter. Criteria: GeneDx Variant Classification Process June 2021. Collection method: clinical testing. Allele origin: germline.
Comment: Not observed at significant frequency in large population cohorts (gnomAD); In silico analysis supports that this missense variant has a deleterious effect on protein structure/function; Has not been previously published as pathogenic or benign to our knowledge

NM_014915.3(ANKRD26):c.1319C>A (p.Ala440Asp)

Gene: ANKRD26 (ankyrin repeat domain 26; minus strand). Cytogenetic location: 10p12.1.
Variant type: single nucleotide variant.
Coding change: c.1319C>A on transcript NM_014915.3 (MANE Select); coding-DNA position 1319, C replaced by A.
Protein change: p.Ala440Asp; replaces alanine 440 with aspartic acid.
Molecular consequence: missense variant.
Genome position (GRCh38, 1-based): chr10:27,064,032, G>T on the plus strand (C>A on the coding strand, the complement: ANKRD26 is on the minus strand). VCF-style: chr10-27064032-G-T. GRCh37 (hg19) VCF-style: chr10-27352961-G-T.
Other names: c.1319C>A, p.Ala440Asp (NM_001256053.2); short protein forms A440D.
Identifiers: ClinVar variation 4975577 (VCV004975577.1).